The following is an entry in ClinVar:

NM_005751.5(AKAP9):c.4328A>T (p.Glu1443Val)

Gene: AKAP9 (A-kinase anchoring protein 9; plus strand). Cytogenetic location: 7q21.2.
Variant type: single nucleotide variant.
Coding change: c.4328A>T on transcript NM_005751.5 (MANE Select); coding-DNA position 4328, A replaced by T.
Protein change: p.Glu1443Val; replaces glutamic acid 1443 with valine.
Molecular consequence: missense variant.
Genome position (GRCh38, 1-based): chr7:92,031,594, A>T. VCF-style: chr7-92031594-A-T. GRCh37 (hg19) VCF-style: chr7-91660908-A-T.
Other names: c.4328A>T, p.Glu1443Val (NM_147185.3); short protein forms E1443V.
Identifiers: ClinVar variation 998935 (VCV000998935.13), dbSNP rs773257553, ClinGen allele CA4336543.
Genomic context (GRCh38, chr7:92,031,594, plus strand): 5'-AAGAGGAAACAAATATCGTTAAGTTGCTTGAAAAACAATACCAAGAACAATTAGAAGAAG[A>T]AGTAGCTAAGGTAGGCTTATAGCTTATCTGGAAGATTATCTTGGTTTATATTCCCTTTGA-3'
Protein context (NP_005742.4, residues 1433-1453): EKQYQEQLEE[Glu1443Val]VAKVIVSMSI

ClinVar aggregate classification (germline): Uncertain significance. Review status: criteria provided, multiple submitters, no conflicts (2 of 4 stars). 3 submissions from 3 submitters: Uncertain significance (3). Last evaluated 2025-12-01.

Conditions:
Cardiovascular phenotype. Identifiers: MedGen CN230736.
Long QT syndrome (LQTS). Identifiers: MedGen C0023976, MeSH D008133, MONDO:0002442. Disease mechanism: loss of function. Inheritance: Various modes of inheritance.
Long QT syndrome 11 (LQT11). Identifiers: Orphanet 101016, Orphanet 768, MedGen C2678483, MONDO:0012738, OMIM 611820.

Allele frequency attached by ClinVar (database versions not stated): ExAC 0.00002; gnomAD exomes 0.00002 and 0.00003; TOPMed 0.00002; gnomAD 0.00003.
gnomAD v4.1: 40 of 1,607,534 alleles (0.0025%); highest among the groups gnomAD compares: Non-Finnish European, 0.003%; no homozygotes.

Submissions (3):

Labcorp Genetics (formerly Invitae), Labcorp
Classification: Uncertain significance for Long QT syndrome. Last evaluated: 2025-12-01. Review status: criteria provided, single submitter. Criteria: Invitae Variant Classification Sherloc (09022015). Collection method: clinical testing. Allele origin: germline.
Comment: This sequence change replaces glutamic acid, which is acidic and polar, with valine, which is neutral and non-polar, at codon 1443 of the AKAP9 protein (p.Glu1443Val). This variant is present in population databases (rs773257553, gnomAD 0.007%). This variant has not been reported in the literature in individuals affected with AKAP9-related conditions. ClinVar contains an entry for this variant (Variation ID: 998935). An algorithm developed to predict the effect of missense changes on protein structure and function (PolyPhen-2) suggests that this variant is likely to be disruptive. In summary, the available evidence is currently insufficient to determine the role of this variant in disease. Therefore, it has been classified as a Variant of Uncertain Significance.

Ambry Genetics
Classification: Uncertain significance for Cardiovascular phenotype. Last evaluated: 2025-08-14. Review status: criteria provided, single submitter. Criteria: Ambry Variant Classification Scheme 2023. Collection method: clinical testing. Allele origin: germline.

Fulgent Genetics
Classification: Uncertain significance for Long QT syndrome 11. Last evaluated: 2021-07-28. Review status: criteria provided, single submitter. Criteria: ACMG Guidelines, 2015. Collection method: clinical testing. Allele origin: unknown.